The following is an entry in ClinVar:

NM_006182.4(DDR2):c.844A>C (p.Thr282Pro)

Gene: DDR2 (discoidin domain receptor tyrosine kinase 2; plus strand). Cytogenetic location: 1q23.3.
Variant type: single nucleotide variant.
Coding change: c.844A>C on transcript NM_006182.4 (MANE Select); coding-DNA position 844, A replaced by C.
Protein change: p.Thr282Pro; replaces threonine 282 with proline.
Molecular consequence: missense variant.
Genome position (GRCh38, 1-based): chr1:162,759,968, A>C. VCF-style: chr1-162759968-A-C. GRCh37 (hg19) VCF-style: chr1-162729758-A-C.
Other names: c.844A>C, p.Thr282Pro (NM_001014796.3, NM_001354982.2, NM_001354983.2); short protein forms T282P.
Identifiers: ClinVar variation 1713864 (VCV001713864.5), dbSNP rs2102151013, ClinGen allele CA343408642.

ClinVar aggregate classification (germline): Uncertain significance (1 of 4 stars; one submission).

Submission:

Labcorp Genetics (formerly Invitae), Labcorp
Classification: Uncertain significance. Last evaluated: 2023-09-27. Review status: criteria provided, single submitter. Criteria: Invitae Variant Classification Sherloc (09022015). Collection method: clinical testing. Allele origin: germline.
Comment: This sequence change replaces threonine, which is neutral and polar, with proline, which is neutral and non-polar, at codon 282 of the DDR2 protein (p.Thr282Pro). This variant is not present in population databases (gnomAD no frequency). This variant has not been reported in the literature in individuals affected with DDR2-related conditions. ClinVar contains an entry for this variant (Variation ID: 1713864). An algorithm developed to predict the effect of missense changes on protein structure and function (PolyPhen-2) suggests that this variant is likely to be disruptive. In summary, the available evidence is currently insufficient to determine the role of this variant in disease. Therefore, it has been classified as a Variant of Uncertain Significance.